The following is an entry in ClinVar:

ClinVar aggregate classification (germline): Uncertain significance. Review status: criteria provided, multiple submitters, no conflicts (2 of 4 stars). 2 submissions from 2 submitters: Uncertain significance (2). Last evaluated 2025-09-05.

Conditions:
Atrial fibrillation, familial, 18 (ATFB18). Identifiers: MedGen C4310636, MONDO:0015001, OMIM 617280.

Allele frequency attached by ClinVar (database versions not stated): gnomAD exomes 0.00003 and 0.00004; ExAC 0.00004; gnomAD 0.00005 and 0.00006; TOPMed 0.00005; 1000 Genomes Project 0.00020; 1000 Genomes Project 30x 0.00031.

Submissions (2):

Labcorp Genetics (formerly Invitae), Labcorp
Classification: Uncertain significance for Atrial fibrillation, familial, 18. Last evaluated: 2025-09-05. Review status: criteria provided, single submitter. Criteria: Invitae Variant Classification Sherloc (09022015). Collection method: clinical testing. Allele origin: germline.
Comment: This sequence change replaces arginine, which is basic and polar, with tryptophan, which is neutral and slightly polar, at codon 156 of the MYL4 protein (p.Arg156Trp). This variant is present in population databases (rs553621405, gnomAD 0.009%). This variant has not been reported in the literature in individuals affected with MYL4-related conditions. ClinVar contains an entry for this variant (Variation ID: 942101). An algorithm developed to predict the effect of missense changes on protein structure and function (PolyPhen-2) suggests that this variant is likely to be disruptive. In summary, the available evidence is currently insufficient to determine the role of this variant in disease. Therefore, it has been classified as a Variant of Uncertain Significance.

Ambry Genetics
Classification: Uncertain significance. Last evaluated: 2025-06-06. Review status: criteria provided, single submitter. Criteria: Ambry Variant Classification Scheme 2023. Collection method: clinical testing. Allele origin: germline.

NM_002476.2(MYL4):c.466C>T (p.Arg156Trp)

Gene: MYL4 (myosin light chain 4; plus strand). Cytogenetic location: 17q21.32.
Variant type: single nucleotide variant.
Coding change: c.466C>T on transcript NM_002476.2 (MANE Select); coding-DNA position 466, C replaced by T.
Protein change: p.Arg156Trp; replaces arginine 156 with tryptophan.
Molecular consequence: missense variant.
Genome position (GRCh38, 1-based): chr17:47,221,834, C>T. VCF-style: chr17-47221834-C-T. GRCh37 (hg19) VCF-style: chr17-45299200-C-T.
Other names: c.466C>T, p.Arg156Trp (NM_001002841.2); short protein forms R156W.
Identifiers: ClinVar variation 942101 (VCV000942101.9), dbSNP rs553621405, ClinGen allele CA8622746.